The following is an entry in ClinVar:

ClinVar aggregate classification (germline): Uncertain significance. Review status: criteria provided, multiple submitters, no conflicts (2 of 4 stars). 2 submissions from 2 submitters: Uncertain significance (2). Last evaluated 2024-11-15.

Conditions:
Inborn genetic diseases. Identifiers: MedGen C0950123, MeSH D030342.

Allele frequency attached by ClinVar (database versions not stated): gnomAD exomes 0.00001.
gnomAD v4.1: 13 of 1,614,128 alleles (0.00081%); highest among the groups gnomAD compares: Admixed American, 0.0017%; no homozygotes.

Submissions (2):

Ambry Genetics
Classification: Uncertain significance for Inborn genetic diseases. Last evaluated: 2024-11-15. Review status: criteria provided, single submitter. Criteria: Ambry Variant Classification Scheme 2023. Collection method: clinical testing. Allele origin: germline.

Labcorp Genetics (formerly Invitae), Labcorp
Classification: Uncertain significance. Last evaluated: 2023-10-13. Review status: criteria provided, single submitter. Criteria: Invitae Variant Classification Sherloc (09022015). Collection method: clinical testing. Allele origin: germline.
Comment: This sequence change replaces lysine, which is basic and polar, with glutamic acid, which is acidic and polar, at codon 993 of the NEFH protein (p.Lys993Glu). This variant is present in population databases (no rsID available, gnomAD 0.0009%). This variant has not been reported in the literature in individuals affected with NEFH-related conditions. ClinVar contains an entry for this variant (Variation ID: 2170521). Advanced modeling of protein sequence and biophysical properties (such as structural, functional, and spatial information, amino acid conservation, physicochemical variation, residue mobility, and thermodynamic stability) performed at Invitae indicates that this missense variant is not expected to disrupt NEFH protein function. In summary, the available evidence is currently insufficient to determine the role of this variant in disease. Therefore, it has been classified as a Variant of Uncertain Significance.

NM_021076.4(NEFH):c.2977A>G (p.Lys993Glu)

Gene: NEFH (neurofilament heavy chain; plus strand). Cytogenetic location: 22q12.2.
Variant type: single nucleotide variant.
Coding change: c.2977A>G on transcript NM_021076.4 (MANE Select); coding-DNA position 2977, A replaced by G.
Protein change: p.Lys993Glu; replaces lysine 993 with glutamic acid.
Molecular consequence: missense variant.
Genome position (GRCh38, 1-based): chr22:29,490,617, A>G. VCF-style: chr22-29490617-A-G. GRCh37 (hg19) VCF-style: chr22-29886606-A-G.
Other names: c.2977A>G (NM_021076.3); short protein forms K993E.
Identifiers: ClinVar variation 2170521 (VCV002170521.5), dbSNP rs1203041302, ClinGen allele CA411139451.